The following is an entry in ClinVar:

NM_004360.5(CDH1):c.1024A>G (p.Thr342Ala)

Gene: CDH1 (cadherin 1; plus strand). Cytogenetic location: 16q22.1.
Variant type: single nucleotide variant.
Coding change: c.1024A>G on transcript NM_004360.5 (MANE Select); coding-DNA position 1024, A replaced by G.
Protein change: p.Thr342Ala; replaces threonine 342 with alanine.
Molecular consequence: missense variant. On other transcripts: 5 prime UTR variant (2).
Genome position (GRCh38, 1-based): chr16:68,812,150, A>G. VCF-style: chr16-68812150-A-G. GRCh37 (hg19) VCF-style: chr16-68846053-A-G.
Other names: c.1024A>G, p.Thr342Ala (NM_001317184.2); c.-592A>G (NM_001317185.2); c.-796A>G (NM_001317186.2); short protein forms T342A.
Identifiers: ClinVar variation 1721497 (VCV001721497.8), dbSNP rs587782073, ClinGen allele CA396459947.

ClinVar aggregate classification (germline): Uncertain significance. Review status: criteria provided, multiple submitters, no conflicts (2 of 4 stars). 3 submissions from 3 submitters: Uncertain significance (3). Last evaluated 2026-08-28.

Conditions:
Hereditary cancer-predisposing syndrome. Also called: Tumor predisposition; Hereditary neoplastic syndrome; Neoplastic Syndromes, Hereditary; Hereditary Cancer Syndrome. Identifiers: Orphanet 140162, MedGen C0027672, MeSH D009386, MONDO:0015356.
Hereditary diffuse gastric adenocarcinoma (HDGC). Also called: DIFFUSE GASTRIC AND LOBULAR BREAST CANCER SYNDROME. Identifiers: Orphanet 26106, MedGen C1708349, MONDO:0007648, OMIM 137215.
Familial cancer of breast. Also called: BREAST CANCER, FAMILIAL; hereditary breast carcinoma; Hereditary breast cancer. Identifiers: Orphanet 227535, MedGen C0346153, MONDO:0016419, OMIM 114480. Disease mechanism: loss of function.

gnomAD v4.1: 2 of 1,614,132 alleles (0.00012%); highest among the groups gnomAD compares: Non-Finnish European, 0.00017%; no homozygotes.

Submissions (3):

Ambry Genetics
Classification: Uncertain significance for Hereditary cancer-predisposing syndrome. Last evaluated: 2026-08-28. Review status: criteria provided, single submitter. Criteria: Ambry Variant Classification Scheme 2023. Collection method: clinical testing. Allele origin: germline.
Comment: The p.T342A variant (also known as c.1024A>G), located in coding exon 8 of the CDH1 gene, results from an A to G substitution at nucleotide position 1024. The threonine at codon 342 is replaced by alanine, an amino acid with similar properties. This amino acid position is conserved. In addition, this alteration is predicted to be tolerated by in silico analysis. Based on the available evidence, the clinical significance of this variant remains unclear.

Baylor Genetics
Classification: Uncertain significance for Familial cancer of breast. Last evaluated: 2023-06-12. Review status: criteria provided, single submitter. Criteria: ACMG Guidelines, 2015. Collection method: clinical testing. Allele origin: unknown.

Labcorp Genetics (formerly Invitae), Labcorp
Classification: Uncertain significance for Hereditary diffuse gastric adenocarcinoma. Last evaluated: 2023-01-11. Review status: criteria provided, single submitter. Criteria: Invitae Variant Classification Sherloc (09022015). Collection method: clinical testing. Allele origin: germline.
Comment: ClinVar contains an entry for this variant (Variation ID: 1721497). This variant has not been reported in the literature in individuals affected with CDH1-related conditions. This variant is not present in population databases (gnomAD no frequency). This sequence change replaces threonine, which is neutral and polar, with alanine, which is neutral and non-polar, at codon 342 of the CDH1 protein (p.Thr342Ala). Algorithms developed to predict the effect of missense changes on protein structure and function are either unavailable or do not agree on the potential impact of this missense change (SIFT: "Deleterious"; PolyPhen-2: "Benign"; Align-GVGD: "Class C0"). In summary, the available evidence is currently insufficient to determine the role of this variant in disease. Therefore, it has been classified as a Variant of Uncertain Significance.